The following is an entry in ClinVar:

ClinVar aggregate classification (germline): Uncertain significance (1 of 4 stars; one submission).

Conditions:
Atrioventricular septal defect 4 (AVSD4). Identifiers: MedGen C3280781, MONDO:0013747, OMIM 614430.

Submission:

Labcorp Genetics (formerly Invitae), Labcorp
Classification: Uncertain significance for Atrioventricular septal defect 4. Last evaluated: 2022-09-06. Review status: criteria provided, single submitter. Criteria: Invitae Variant Classification Sherloc (09022015). Collection method: clinical testing. Allele origin: germline.
Comment: ClinVar contains an entry for this variant (Variation ID: 1392864). This variant has not been reported in the literature in individuals affected with GATA4-related conditions. This variant is not present in population databases (gnomAD no frequency). This sequence change replaces glycine, which is neutral and non-polar, with valine, which is neutral and non-polar, at codon 391 of the GATA4 protein (p.Gly391Val). In summary, the available evidence is currently insufficient to determine the role of this variant in disease. Therefore, it has been classified as a Variant of Uncertain Significance. Algorithms developed to predict the effect of missense changes on protein structure and function (SIFT, PolyPhen-2, Align-GVGD) all suggest that this variant is likely to be tolerated.

NM_001308093.3(GATA4):c.1175G>T (p.Gly392Val)

Gene: GATA4 (GATA binding protein 4). Cytogenetic location: 8p23.1.
Variant type: single nucleotide variant.
Coding change: c.1175G>T on transcript NM_001308093.3 (MANE Select); coding-DNA position 1175, G replaced by T.
Protein change: p.Gly392Val; replaces glycine 392 with valine.
Molecular consequence: missense variant.
Genome position (GRCh38, 1-based): chr8:11,758,318, G>T. VCF-style: chr8-11758318-G-T. GRCh37 (hg19) VCF-style: chr8-11615827-G-T.
Other names: c.554G>T, p.Gly185Val (NM_001308094.2, NM_001374273.1); c.428G>T, p.Gly143Val (NM_001374274.1); c.1172G>T, p.Gly391Val (NM_002052.5); short protein forms G143V, G185V, G391V, G392V.
Identifiers: ClinVar variation 1392864 (VCV001392864.8), dbSNP rs147093296, ClinGen allele CA370315579.